The following is an entry in ClinVar:

ClinVar aggregate classification (germline): Pathogenic/Likely pathogenic. Review status: criteria provided, multiple submitters, no conflicts (2 of 4 stars). 4 submissions from 4 submitters: Pathogenic (3); Likely pathogenic (1). Last evaluated 2025-10-25.

Conditions:
Wilson disease (WND). Also called: Wilson's disease. Identifiers: Orphanet 905, MedGen C0019202, MONDO:0010200, OMIM 277900. Disease mechanism: loss of function.

Submissions (4):

Natera, Inc.
Classification: Likely pathogenic for Wilson disease. Last evaluated: 2025-10-25. Review status: criteria provided, single submitter. Criteria: Natera Variant Classification Schema (03/2026). Collection method: clinical testing. Allele origin: germline.
Comment: The c.3895delC variant in ATP7B is a frameshift variant predicted to shift the reading frame beginning at codon 1300 and leads to a stop codon 30 codons downstream. This variant is expected to result in nonsense mediated decay, truncation, or a dysfunctional protein product. This variant is rare in the general population with a frequency below the threshold expected for the associated phenotype(s). Given the available evidence, this variant is classified as Likely Pathogenic.

Labcorp Genetics (formerly Invitae), Labcorp
Classification: Pathogenic for Wilson disease. Last evaluated: 2021-10-16. Review status: criteria provided, single submitter. Criteria: Invitae Variant Classification Sherloc (09022015). Collection method: clinical testing. Allele origin: germline.
Comment: For these reasons, this variant has been classified as Pathogenic. ClinVar contains an entry for this variant (Variation ID: 917707). This premature translational stop signal has been observed in individual(s) with Wilson disease (PMID: 17264425). This variant is not present in population databases (ExAC no frequency). This sequence change creates a premature translational stop signal (p.Ile1300Serfs*30) in the ATP7B gene. It is expected to result in an absent or disrupted protein product. Loss-of-function variants in ATP7B are known to be pathogenic (PMID: 10441329, 16283883).

Genome-Nilou Lab
Classification: Pathogenic for Wilson disease. Last evaluated: 2021-08-10. Review status: criteria provided, single submitter. Criteria: ACMG Guidelines, 2015. Collection method: clinical testing. Allele origin: germline. Affected: no.

Women's Health and Genetics/Laboratory Corporation of America, LabCorp
Classification: Pathogenic for Wilson disease. Last evaluated: 2020-02-09. Review status: criteria provided, single submitter. Criteria: LabCorp Variant Classification Summary - May 2015. Collection method: clinical testing. Allele origin: germline.
Comment: Variant summary: ATP7B c.3895delC (p.Ile1300SerfsX30) results in a premature termination codon, predicted to cause a truncation of the encoded protein or absence of the protein due to nonsense mediated decay, which are commonly known mechanisms for disease. Truncations downstream of this position have been classified as pathogenic by our laboratory. The variant was absent in 249420 control chromosomes. c.3895delC has been reported in the literature in at-least two individuals affected with Wilson Disease and has been subsequently cited by other studies (example, Santosh_2006, Nicastro_2010, Gupta_2007, Mathur_2015, Liu_2018). These data indicate that the variant is likely to be associated with disease. To our knowledge, no experimental evidence demonstrating an impact on protein function has been reported. No clinical diagnostic laboratories have submitted clinical-significance assessments for this variant to ClinVar after 2014. Based on the evidence outlined above, the variant was classified as pathogenic.

Literature cited by the submitters: PubMed 17264425 (cited by Labcorp Genetics (formerly Invitae), Labcorp and Women's Health and Genetics/Laboratory Corporation of America, LabCorp); PubMed 10441329 (cited by Labcorp Genetics (formerly Invitae), Labcorp); PubMed 16283883 (cited by Labcorp Genetics (formerly Invitae), Labcorp); PubMed 17823867 (cited by Women's Health and Genetics/Laboratory Corporation of America, LabCorp); PubMed 20967755 (cited by Women's Health and Genetics/Laboratory Corporation of America, LabCorp); PubMed 29649982 (cited by Women's Health and Genetics/Laboratory Corporation of America, LabCorp).

NM_000053.4(ATP7B):c.3895del (p.Ile1300fs)

Gene: ATP7B (ATPase copper transporting beta; minus strand). Cytogenetic location: 13q14.3.
Variant type: Deletion.
Coding change: c.3895del on transcript NM_000053.4 (MANE Select); coding-DNA position 3895, one base deleted (C; older notation c.3895delC).
Protein change: p.Ile1300fs; shifts the reading frame from isoleucine 1300.
Molecular consequence: frameshift variant.
Genome position (GRCh38, 1-based): chr13:51,937,484, G deleted on the plus strand (C on the coding strand, the reverse complement: ATP7B is on the minus strand); the first of 2 consecutive G bases (chr13:51,937,484-51,937,485); deleting either gives the same sequence. VCF-style (leftmost placement, unchanged base first): chr13-51937483-AG-A. GRCh37 (hg19) VCF-style: chr13-52511619-AG-A.
Other names: c.3274del, p.Ile1093fs (NM_001005918.3); c.3562del, p.Ile1189fs (NM_001243182.2); c.3661del, p.Ile1222fs (NM_001330578.2); c.3643del, p.Ile1216fs (NM_001330579.2); short protein forms I1222fs, I1093fs, I1189fs, I1216fs, I1300fs.
Identifiers: ClinVar variation 917707 (VCV000917707.9), dbSNP rs1957038706, ClinGen allele CA1139663297.
Genomic context (GRCh38, chr13:51,937,483, plus strand): 5'-GGGTCTGCCCATTGCCCTCCCAGCACCCACAGCCTGGCTGCAGCCACGCTCACTCTGATA[AG>A]GACGACGTCGGCTGCCTCGATGGCCACATCCGTGCCGGTGCCAATGGCCACACCCATGTC-3'